The following is an entry in ClinVar:

NM_032242.4(PLXNA1):c.3974G>A (p.Arg1325Gln)

Gene: PLXNA1 (plexin A1; plus strand). Cytogenetic location: 3q21.3.
Variant type: single nucleotide variant.
Coding change: c.3974G>A on transcript NM_032242.4 (MANE Select); coding-DNA position 3974, G replaced by A.
Protein change: p.Arg1325Gln; replaces arginine 1325 with glutamine.
Molecular consequence: missense variant.
Genome position (GRCh38, 1-based): chr3:127,020,280, G>A. VCF-style: chr3-127020280-G-A. GRCh37 (hg19) VCF-style: chr3-126739123-G-A.
Other names: short protein forms R1325Q.
Identifiers: ClinVar variation 4998284 (VCV004998284.1).

ClinVar aggregate classification (germline): Uncertain significance (1 of 4 stars; one submission).

Conditions:
PLXNA1-related disorder. Also called: PLXNA1-related condition.

Submission:

PreventionGenetics, part of Exact Sciences
Classification: Uncertain significance for PLXNA1-related condition. Last evaluated: 2026-02-26. Review status: criteria provided, single submitter. Criteria: ACMG Guidelines, 2015. Collection method: clinical testing. Allele origin: germline.
Comment: The PLXNA1 c.3974G>A variant is predicted to result in the amino acid substitution p.Arg1325Gln. To our knowledge, this variant has not been reported in association with PLXNA1-related disease. This variant is reported in 0.00088% of alleles in individuals of European (Non-Finnish) descent in gnomAD. At this time, the clinical significance of this variant is uncertain due to the absence of conclusive functional and genetic evidence.